The following is an entry in ClinVar:

ClinVar aggregate classification (germline): Uncertain significance (1 of 4 stars; one submission).

Submission:

GeneDx
Classification: Uncertain significance. Last evaluated: 2025-12-03. Review status: criteria provided, single submitter. Criteria: GeneDx Variant Classification Process June 2021. Collection method: clinical testing. Allele origin: germline. Affected: yes.
Comment: Not observed at significant frequency in large population cohorts (gnomAD); In silico analysis supports that this missense variant has a deleterious effect on protein structure/function; Has not been previously published as pathogenic or benign to our knowledge

NM_001830.4(CLCN4):c.1397C>T (p.Ser466Leu)

Gene: CLCN4 (chloride voltage-gated channel 4; plus strand). Cytogenetic location: Xp22.2.
Variant type: single nucleotide variant.
Coding change: c.1397C>T on transcript NM_001830.4 (MANE Select); coding-DNA position 1397, C replaced by T.
Protein change: p.Ser466Leu; replaces serine 466 with leucine.
Molecular consequence: missense variant.
Genome position (GRCh38, 1-based): chrX:10,212,474, C>T. VCF-style: chrX-10212474-C-T. GRCh37 (hg19) VCF-style: chrX-10180514-C-T.
Other names: c.1115C>T, p.Ser372Leu (NM_001256944.2); short protein forms S372L, S466L.
Identifiers: ClinVar variation 2575579 (VCV002575579.3), dbSNP rs2518887932, ClinGen allele CA412040431.
Genomic context (GRCh38, chrX:10,212,474, plus strand): 5'-AGCGGGGACTTGGTCTTTTTCCCTCATGTTGCTTTTCTCTGTGTCTCCTCAAGATCCCGT[C>T]GGGCCTCTTCATCCCCAGCATGGCTGTGGGCGCGATAGCGGGCAGGATGGTGGGAATTGG-3'
Protein context (NP_001821.2, residues 456-476): TIFTFGMKIP[Ser466Leu]GLFIPSMAVG